The following is an entry in ClinVar:

ClinVar aggregate classification (germline): Pathogenic (1 of 4 stars; one submission).

Conditions:
Cerebral cavernous malformation 2. Also called: Familial Cerebral Cavernous Malformation 2. Identifiers: Orphanet 221061, MedGen C1864041, MONDO:0011304, OMIM 603284.

Submission:

Labcorp Genetics (formerly Invitae), Labcorp
Classification: Pathogenic for Cerebral cavernous malformation 2. Last evaluated: 2019-11-19. Review status: criteria provided, single submitter. Criteria: Invitae Variant Classification Sherloc (09022015). Collection method: clinical testing. Allele origin: germline.
Comment: For these reasons, this variant has been classified as Pathogenic. Loss-of-function variants in CCM2 are known to be pathogenic (PMID: 2468908, 14624391, 17160895, 18300272). This variant has not been reported in the literature in individuals with CCM2-related conditions. This variant is not present in population databases (ExAC no frequency). This sequence change creates a premature translational stop signal (p.Tyr118*) in the CCM2 gene. It is expected to result in an absent or disrupted protein product.

Literature cited by the submitters: PubMed 2468908; PubMed 14624391; PubMed 17160895; PubMed 18300272.

NM_031443.4(CCM2):c.354C>A (p.Tyr118Ter)

Gene: CCM2 (CCM2 scaffold protein; plus strand). Cytogenetic location: 7p13.
Variant type: single nucleotide variant.
Coding change: c.354C>A on transcript NM_031443.4 (MANE Select); coding-DNA position 354, C replaced by A.
Protein change: p.Tyr118Ter; replaces tyrosine 118 with a stop codon.
Molecular consequence: nonsense. On other transcripts: non-coding transcript variant (1).
Genome position (GRCh38, 1-based): chr7:45,064,528, C>A. VCF-style: chr7-45064528-C-A. GRCh37 (hg19) VCF-style: chr7-45104127-C-A.
Other names: c.417C>A, p.Tyr139Ter (NM_001029835.2); c.180C>A, p.Tyr60Ter (NM_001167934.2, NM_001363459.2); c.354C>A, p.Tyr118Ter (NM_001167935.2, NM_001363458.2); short protein forms Y118*, Y60*, Y139*.
Identifiers: ClinVar variation 857759 (VCV000857759.7), dbSNP rs765548101, ClinGen allele CA367429937.
Genomic context (GRCh38, chr7:45,064,528, plus strand): 5'-CCACCAGCTTCCGGGACACTTGACTCAGGAGCACGATGCTGTGCTCAGCCTGTCTGCGTA[C>A]AACGTCAAGCTGGCCTGGAGGGACGGGGAGGATATCATCCTCAGGGTGCCCATCCATGAC-3'